The following is an entry in ClinVar:

ClinVar aggregate classification (germline): Uncertain significance (1 of 4 stars; one submission).

Submission:

CeGaT Center for Human Genetics Tuebingen
Classification: Uncertain significance. Last evaluated: 2025-09-01. Review status: criteria provided, single submitter. Criteria: CeGaT Center For Human Genetics Tuebingen Variant Classification Criteria Version 2. Collection method: clinical testing. Allele origin: germline. Affected: yes. Observed: 1 variant allele.
Comment: AGMO: PM2, BP4

NM_001004320.2(AGMO):c.676+5_676+11del

Gene: AGMO (alkylglycerol monooxygenase; minus strand). Cytogenetic location: 7p21.2.
Variant type: Deletion.
Coding change: c.676+5_676+11del on transcript NM_001004320.2 (MANE Select); bases 5 to 11 of the intron after coding-DNA position 676, 7 bases deleted (GGAAGTT; older notation c.676+5_676+11delGGAAGTT).
Molecular consequence: intron variant.
Genome position (GRCh38, 1-based): chr7:15,394,102-15,394,108, AACTTCC deleted on the plus strand (GGAAGTT on the coding strand, the reverse complement: AGMO is on the minus strand). VCF-style (leftmost placement, unchanged base first): chr7-15394101-AAACTTCC-A. GRCh37 (hg19) VCF-style: chr7-15433726-AAACTTCC-A.
Identifiers: ClinVar variation 4280970 (VCV004280970.7).